The following is an entry in ClinVar:

NM_000179.3(MSH6):c.3049A>T (p.Asn1017Tyr)

Gene: MSH6 (mutS homolog 6; plus strand). Cytogenetic location: 2p16.3.
Variant type: single nucleotide variant.
Coding change: c.3049A>T on transcript NM_000179.3 (MANE Select); coding-DNA position 3049, A replaced by T.
Protein change: p.Asn1017Tyr; replaces asparagine 1017 with tyrosine.
Molecular consequence: missense variant.
Genome position (GRCh38, 1-based): chr2:47,801,032, A>T. VCF-style: chr2-47801032-A-T. GRCh37 (hg19) VCF-style: chr2-48028171-A-T.
Other names: c.2659A>T, p.Asn887Tyr (NM_001281492.2); c.2143A>T, p.Asn715Tyr (NM_001281493.2, NM_001281494.2); short protein forms N887Y, N1017Y, N715Y.
Identifiers: ClinVar variation 943013 (VCV000943013.11), dbSNP rs1060502943, ClinGen allele CA346756498.

ClinVar aggregate classification (germline): Uncertain significance. Review status: criteria provided, multiple submitters, no conflicts (2 of 4 stars). 2 submissions from 2 submitters: Uncertain significance (2). Last evaluated 2024-09-21.

Conditions:
Hereditary nonpolyposis colorectal neoplasms. Identifiers: MedGen C0009405, MeSH D003123.
Hereditary cancer-predisposing syndrome. Also called: Neoplastic Syndromes, Hereditary; Hereditary Cancer Syndrome; Tumor predisposition; Hereditary neoplastic syndrome. Identifiers: Orphanet 140162, MedGen C0027672, MeSH D009386, MONDO:0015356.

Submissions (2):

Ambry Genetics
Classification: Uncertain significance for Hereditary cancer-predisposing syndrome. Last evaluated: 2024-09-21. Review status: criteria provided, single submitter. Criteria: Ambry Variant Classification Scheme 2023. Collection method: clinical testing. Allele origin: germline.
Comment: The p.N1017Y variant (also known as c.3049A>T), located in coding exon 4 of the MSH6 gene, results from an A to T substitution at nucleotide position 3049. The asparagine at codon 1017 is replaced by tyrosine, an amino acid with dissimilar properties. This amino acid position is conserved. In addition, the in silico prediction for this alteration is inconclusive. Based on the available evidence, the clinical significance of this variant remains unclear.

Labcorp Genetics (formerly Invitae), Labcorp
Classification: Uncertain significance for Hereditary nonpolyposis colorectal neoplasms. Last evaluated: 2019-09-23. Review status: criteria provided, single submitter. Criteria: Invitae Variant Classification Sherloc (09022015). Collection method: clinical testing. Allele origin: germline.
Comment: This sequence change replaces asparagine with tyrosine at codon 1017 of the MSH6 protein (p.Asn1017Tyr). The asparagine residue is weakly conserved and there is a large physicochemical difference between asparagine and tyrosine. This variant is not present in population databases (ExAC no frequency). This variant has not been reported in the literature in individuals with MSH6-related conditions. Algorithms developed to predict the effect of missense changes on protein structure and function are either unavailable or do not agree on the potential impact of this missense change (SIFT: "Deleterious"; PolyPhen-2: "Possibly Damaging"; Align-GVGD: "Class C0"). In summary, the available evidence is currently insufficient to determine the role of this variant in disease. Therefore, it has been classified as a Variant of Uncertain Significance.